The following is an entry in ClinVar:

NM_203486.3(DLL3):c.515T>G (p.Phe172Cys)

Genes: PLEKHG2 (pleckstrin homology and RhoGEF domain containing G2; plus strand), DLL3 (delta like canonical Notch ligand 3; plus strand), LOC130064417 (ATAC-STARR-seq lymphoblastoid silent region 10608; plus strand). Cytogenetic location: 19q13.2.
Variant type: single nucleotide variant.
Coding change: c.515T>G on transcript NM_203486.3 (MANE Select); coding-DNA position 515, T replaced by G.
Protein change: p.Phe172Cys; replaces phenylalanine 172 with cysteine.
Molecular consequence: missense variant.
Genome position (GRCh38, 1-based): chr19:39,502,920, T>G. VCF-style: chr19-39502920-T-G. GRCh37 (hg19) VCF-style: chr19-39993560-T-G.
Other names: c.515T>G, p.Phe172Cys (NM_016941.4); short protein forms F172C.
Identifiers: ClinVar variation 41378 (VCV000041378.37), dbSNP rs8107127, ClinGen allele CA344410.

ClinVar aggregate classification (germline): Benign. Review status: criteria provided, multiple submitters, no conflicts (2 of 4 stars). 11 submissions from 10 submitters: Benign (11). Last evaluated 2026-02-04.

Conditions:
Leukodystrophy and acquired microcephaly with or without dystonia;. Also called: Leukodystrophy and acquired microcephaly with or without dystonia. Identifiers: MedGen C4225213, MONDO:0014766, OMIM 616763.
Syndactyly. Also called: Webbed fingers or toes. Identifiers: MedGen C0039075, MONDO:0021002, HP:0001159.
Spondylocostal dysostosis 1, autosomal recessive (SCDO1). Also called: DLL3-Related Spondylocostal Dysostosis, Autosomal Recessive. Identifiers: Orphanet 2311, MedGen CN032975, MONDO:0020692, OMIM 277300.

Allele frequency attached by ClinVar (database versions not stated): TOPMed 0.28355; gnomAD exomes 0.28552 and 0.32362; gnomAD 0.29570 and 0.29604; ExAC 0.33996; 1000 Genomes Project 30x 0.26124; 1000 Genomes Project 0.26198.
gnomAD v4.1: 461,949 of 1,441,728 alleles (32%); highest among the groups gnomAD compares: Middle Eastern, 38%; 75,877 homozygotes.

Submissions (11):

Labcorp Genetics (formerly Invitae), Labcorp
Classification: Benign. Last evaluated: 2026-02-04. Review status: criteria provided, single submitter. Criteria: Invitae Variant Classification Sherloc (09022015). Collection method: clinical testing. Allele origin: germline.

ARUP Laboratories, Molecular Genetics and Genomics, ARUP Laboratories
Classification: Benign for Spondylocostal dysostosis 1, autosomal recessive. Last evaluated: 2025-06-24. Review status: criteria provided, single submitter. Criteria: ARUP Molecular Germline Variant Investigation Process 2024. Collection method: clinical testing. Allele origin: germline.

Blueprint Genetics
Classification: Benign. Last evaluated: 2024-11-28. Review status: criteria provided, single submitter. Criteria: ACMG Guidelines, 2015. Collection method: clinical testing. Allele origin: germline.

Genome-Nilou Lab
Classification: Benign for Spondylocostal dysostosis 1, autosomal recessive. Last evaluated: 2021-07-30. Review status: criteria provided, single submitter. Criteria: ACMG Guidelines, 2015. Collection method: clinical testing. Allele origin: germline. Affected: no.

Mendelics
Classification: Benign for Leukodystrophy and acquired microcephaly with or without dystonia;. Last evaluated: 2019-05-28. Review status: criteria provided, single submitter. Criteria: Mendelics Assertion Criteria 2017. Collection method: clinical testing. Allele origin: unknown.

Illumina Laboratory Services, Illumina
Classification: Benign for Spondylocostal dysostosis 1, autosomal recessive. Last evaluated: 2018-01-13. Review status: criteria provided, single submitter. Criteria: ICSL Variant Classification Criteria 13 December 2019. Collection method: clinical testing. Allele origin: germline.
Comment: This variant was observed in the ICSL laboratory as part of a predisposition screen in an ostensibly healthy population. It had not been previously curated by ICSL or reported in the Human Gene Mutation Database (HGMD: prior to June 1st, 2018), and was therefore a candidate for classification through an automated scoring system. Utilizing variant allele frequency, disease prevalence and penetrance estimates, and inheritance mode, an automated score was calculated to assess if this variant is too frequent to cause the disease. Based on the score and internal cut-off values, a variant classified as benign is not then subjected to further curation. The score for this variant resulted in a classification of benign for this disease.

Illumina Laboratory Services, Illumina
Classification: Benign for Non-syndromic syndactyly. Last evaluated: 2018-01-13. Review status: criteria provided, single submitter. Criteria: ICSL Variant Classification Criteria 13 December 2019. Collection method: clinical testing. Allele origin: germline.
Comment: the same text as in the submission from Illumina Laboratory Services, Illumina above.

Eurofins Ntd Llc (ga)
Classification: Benign. Last evaluated: 2017-06-22. Review status: criteria provided, single submitter. Criteria: EGL Classification Definitions 2015. Collection method: clinical testing. Allele origin: germline. Observed: 1 variant allele, 1 heterozygote.

GeneDx
Classification: Benign. Last evaluated: 2016-03-21. Review status: criteria provided, single submitter. Criteria: GeneDx Variant Classification (06012015). Collection method: clinical testing. Allele origin: germline. Affected: yes.
Comment: This variant is considered likely benign or benign based on one or more of the following criteria: it is a conservative change, it occurs at a poorly conserved position in the protein, it is predicted to be benign by multiple in silico algorithms, and/or has population frequency not consistent with disease.

Breakthrough Genomics
Classification: Benign. Review status: criteria provided, single submitter. Criteria: ACMG Guidelines, 2015. Collection method: not provided. Allele origin: germline. Inheritance: Autosomal recessive inheritance. Affected: yes.

PreventionGenetics, part of Exact Sciences
Classification: Benign. Review status: criteria provided, single submitter. Criteria: ACMG Guidelines, 2015. Collection method: clinical testing. Allele origin: germline.